The following is an entry in ClinVar:

ClinVar aggregate classification (germline): Uncertain significance (1 of 4 stars; one submission).

gnomAD v4.1: 5 of 1,614,026 alleles (0.00031%); highest among the groups gnomAD compares: Admixed American, 0.0083%; no homozygotes.

Submission:

GeneDx
Classification: Uncertain significance. Last evaluated: 2024-03-01. Review status: criteria provided, single submitter. Criteria: GeneDx Variant Classification Process June 2021. Collection method: clinical testing. Allele origin: germline. Affected: yes.
Comment: In silico analysis supports that this missense variant has a deleterious effect on protein structure/function; Has not been previously published as pathogenic or benign to our knowledge

NM_000687.4(AHCY):c.322G>C (p.Glu108Gln)

Gene: AHCY (adenosylhomocysteinase; minus strand). Cytogenetic location: 20q11.22.
Variant type: single nucleotide variant.
Coding change: c.322G>C on transcript NM_000687.4 (MANE Select); coding-DNA position 322, G replaced by C.
Protein change: p.Glu108Gln; replaces glutamic acid 108 with glutamine.
Molecular consequence: missense variant.
Genome position (GRCh38, 1-based): chr20:34,292,481, C>G on the plus strand (G>C on the coding strand, the complement: AHCY is on the minus strand). VCF-style: chr20-34292481-C-G. GRCh37 (hg19) VCF-style: chr20-32880287-C-G.
Other names: c.238G>C, p.Glu80Gln (NM_001161766.2, NM_001322084.2, NM_001322085.2); c.328G>C, p.Glu110Gln (NM_001322086.2); c.322G>C, p.Glu108Gln (NM_001362750.2); short protein forms E108Q, E110Q, E80Q.
Identifiers: ClinVar variation 3373434 (VCV003373434.1).
Genomic context (GRCh38, chr20:34,292,481, plus strand): 5'-TCATGTTGAGGGGCCCGTCCTTGAAGTACAGGGTCTGCTCAATGCACCACAGGTACTCCT[C>G]GTCCGTTTCGCCCTTCCAGGCATACACTGGAGGGTGAGTGGCACATCAGGGCCTGGACTT-3'
Protein context (NP_000678.1, residues 98-118): PVYAWKGETD[Glu108Gln]EYLWCIEQTL